The following is an entry in ClinVar:

NM_000693.4(ALDH1A3):c.536C>T (p.Pro179Leu)

Genes: ALDH1A3 (aldehyde dehydrogenase 1 family member A3; plus strand), ALDH1A3-AS1 (ALDH1A3 antisense RNA 1; minus strand). Cytogenetic location: 15q26.3.
Variant type: single nucleotide variant.
Coding change: c.536C>T on transcript NM_000693.4 (MANE Select); coding-DNA position 536, C replaced by T.
Protein change: p.Pro179Leu; replaces proline 179 with leucine.
Molecular consequence: missense variant. On other transcripts: non-coding transcript variant (1), intron variant (1).
Genome position (GRCh38, 1-based): chr15:100,893,005, C>T. VCF-style: chr15-100893005-C-T. GRCh37 (hg19) VCF-style: chr15-101433210-C-T.
Other names: c.346-2928C>T (NM_001293815.2); short protein forms P179L.
Identifiers: ClinVar variation 5005371 (VCV005005371.2).

ClinVar aggregate classification (germline): Uncertain significance (1 of 4 stars; one submission).

Conditions:
Isolated microphthalmia 8. Identifiers: Orphanet 2542, MedGen C3554524, MONDO:0014050, OMIM 615113.

Submission:

Juno Genomics, Hangzhou Juno Genomics, Inc
Classification: Uncertain significance for Isolated microphthalmia 8. Review status: criteria provided, single submitter. Criteria: ACMG Guidelines, 2015. Collection method: clinical testing. Allele origin: germline.
Comment: Absent from controls (or at extremely low frequency if recessive) in Genome Aggregation Database.